The following is an entry in ClinVar:

ClinVar aggregate classification (germline): Benign/Likely benign. Review status: criteria provided, multiple submitters, no conflicts (2 of 4 stars). 3 submissions from 3 submitters: Benign (1); Likely benign (2). Last evaluated 2025-07-18.

Conditions:
Familial cancer of breast. Also called: hereditary breast carcinoma; BREAST CANCER, FAMILIAL; Hereditary breast cancer. Identifiers: Orphanet 227535, MedGen C0346153, MONDO:0016419, OMIM 114480. Disease mechanism: loss of function.
Hereditary cancer-predisposing syndrome. Also called: Hereditary Cancer Syndrome; Neoplastic Syndromes, Hereditary; Hereditary neoplastic syndrome; Tumor predisposition. Identifiers: Orphanet 140162, MedGen C0027672, MeSH D009386, MONDO:0015356.
Ataxia-telangiectasia syndrome (AT). Also called: ATAXIA-TELANGIECTASIA, COMPLEMENTATION GROUP A; ATAXIA-TELANGIECTASIA, FRESNO VARIANT; Ataxia-telangiectasia, complementation group E; Ataxia telangiectasia (A-T); Ataxia-telangiectasia, complementation group D; AT, COMPLEMENTATION GROUP C. Identifiers: Orphanet 100, MedGen C0004135, MONDO:0008840, OMIM 208900.

Submissions (3):

Ambry Genetics
Classification: Likely benign for Hereditary cancer-predisposing syndrome. Last evaluated: 2025-07-18. Review status: criteria provided, single submitter. Criteria: Ambry Variant Classification Scheme 2023. Collection method: clinical testing. Allele origin: germline.

Myriad Genetics, Inc.
Classification: Benign for Familial cancer of breast. Last evaluated: 2024-05-20. Review status: criteria provided, single submitter. Criteria: Myriad Autosomal Dominant, Autosomal Recessive and X-Linked Classification Criteria (2023). Collection method: clinical testing. Allele origin: unknown.
Comment: This variant is considered benign. This variant is a silent/synonymous amino acid change and it is not expected to impact splicing.

Labcorp Genetics (formerly Invitae), Labcorp
Classification: Likely benign for Ataxia-telangiectasia syndrome. Last evaluated: 2024-02-17. Review status: criteria provided, single submitter. Criteria: Invitae Variant Classification Sherloc (09022015). Collection method: clinical testing. Allele origin: germline.

NM_000051.4(ATM):c.4458G>T (p.Val1486=)

Gene: ATM (ATM serine/threonine kinase; plus strand). Cytogenetic location: 11q22.3.
Variant type: single nucleotide variant.
Coding change: c.4458G>T on transcript NM_000051.4 (MANE Select); coding-DNA position 4458, G replaced by T.
Protein change: p.Val1486=; no amino-acid change (valine 1486 retained).
Molecular consequence: synonymous variant.
Genome position (GRCh38, 1-based): chr11:108,292,640, G>T. VCF-style: chr11-108292640-G-T. GRCh37 (hg19) VCF-style: chr11-108163367-G-T.
Other names: c.4458G>T, p.Val1486= (NM_001351834.2); c.4458G>T (NM_000051.3).
Identifiers: ClinVar variation 1657966 (VCV001657966.10), dbSNP rs1591673788, ClinGen allele CA476674123.